The following is an entry in ClinVar:

ClinVar aggregate classification (germline): Likely pathogenic (1 of 4 stars; one submission).

Conditions:
MHC class II deficiency. Also called: BLS, TYPE II; Bare lymphocyte syndrome 2. Identifiers: Orphanet 572, MedGen C5447452, MONDO:0008855.

gnomAD v4.1: 2 of 1,613,742 alleles (0.00012%); highest among the groups gnomAD compares: South Asian, 0.0011%; no homozygotes.

Submission:

Labcorp Genetics (formerly Invitae), Labcorp
Classification: Likely pathogenic for MHC class II deficiency. Last evaluated: 2025-06-22. Review status: criteria provided, single submitter. Criteria: Invitae Variant Classification Sherloc (09022015). Collection method: clinical testing. Allele origin: germline.
Comment: This sequence change affects an acceptor splice site in intron 9 of the RFX5 gene. It is expected to disrupt RNA splicing. Variants that disrupt the donor or acceptor splice site typically lead to a loss of protein function (PMID: 16199547), and loss-of-function variants in RFX5 are known to be pathogenic (PMID: 7744245, 9401005, 10079298). This variant is present in population databases (rs750544541, gnomAD 0.003%). This variant has not been reported in the literature in individuals affected with RFX5-related conditions. Algorithms developed to predict the effect of sequence changes on RNA splicing suggest that this variant may disrupt the consensus splice site. In summary, the currently available evidence indicates that the variant is pathogenic, but additional data are needed to prove that conclusively. Therefore, this variant has been classified as Likely Pathogenic.

Literature cited by the submitters: PubMed 16199547; PubMed 7744245; PubMed 9401005; PubMed 10079298.

NM_001025603.2(RFX5):c.758-2A>G

Gene: RFX5 (regulatory factor X5; minus strand). Cytogenetic location: 1q21.3.
Variant type: single nucleotide variant.
Coding change: c.758-2A>G on transcript NM_001025603.2 (MANE Select); the canonical splice acceptor site of the intron before coding-DNA position 758, A replaced by G.
Molecular consequence: splice acceptor variant.
Genome position (GRCh38, 1-based): chr1:151,343,444, T>C on the plus strand (A>G on the coding strand, the complement: RFX5 is on the minus strand). VCF-style: chr1-151343444-T-C. GRCh37 (hg19) VCF-style: chr1-151315920-T-C.
Other names: c.638-2A>G (NM_001379419.1, NM_001379420.1); c.758-2A>G (NM_000449.4, NM_001379413.1, NM_001379417.1 and 5 more transcripts).
Identifiers: ClinVar variation 4721803 (VCV004721803.1).